The following is an entry in ClinVar:

ClinVar aggregate classification (germline): Uncertain significance. Review status: criteria provided, multiple submitters, no conflicts (2 of 4 stars). 3 submissions from 3 submitters: Uncertain significance (3). Last evaluated 2023-12-22.

Conditions:
Primary dilated cardiomyopathy (DCM). Also called: Dilated Cardiomyopathy. Identifiers: Orphanet 217604, MedGen C0007193, MeSH D002311, MONDO:0005021, HP:0001644. Inheritance: Various modes of inheritance.
Cardiovascular phenotype. Identifiers: MedGen CN230736.

Allele frequency attached by ClinVar (database versions not stated): gnomAD 0.00001; gnomAD exomes 0.00001; TOPMed 0.00002; ExAC 0.00003.
gnomAD v4.1: 11 of 1,613,428 alleles (0.00068%); highest among the groups gnomAD compares: Non-Finnish European, 0.00093%; no homozygotes.

Submissions (3):

Ambry Genetics
Classification: Uncertain significance for Cardiovascular phenotype. Last evaluated: 2023-12-22. Review status: criteria provided, single submitter. Criteria: Ambry Variant Classification Scheme 2023. Collection method: clinical testing. Allele origin: germline.
Comment: The p.G471D variant (also known as c.1412G>A), located in coding exon 16 of the TXNRD2 gene, results from a G to A substitution at nucleotide position 1412. The glycine at codon 471 is replaced by aspartic acid, an amino acid with similar properties. This amino acid position is highly conserved in available vertebrate species. In addition, this alteration is predicted to be deleterious by in silico analysis. Since supporting evidence is limited at this time, the clinical significance of this alteration remains unclear.

Labcorp Genetics (formerly Invitae), Labcorp
Classification: Uncertain significance for Primary dilated cardiomyopathy. Last evaluated: 2023-12-06. Review status: criteria provided, single submitter. Criteria: Invitae Variant Classification Sherloc (09022015). Collection method: clinical testing. Allele origin: germline.
Comment: This sequence change replaces glycine, which is neutral and non-polar, with aspartic acid, which is acidic and polar, at codon 471 of the TXNRD2 protein (p.Gly471Asp). This variant is present in population databases (rs754916024, gnomAD 0.003%). This variant has not been reported in the literature in individuals affected with TXNRD2-related conditions. ClinVar contains an entry for this variant (Variation ID: 581928). Advanced modeling of protein sequence and biophysical properties (such as structural, functional, and spatial information, amino acid conservation, physicochemical variation, residue mobility, and thermodynamic stability) performed at Invitae indicates that this missense variant is not expected to disrupt TXNRD2 protein function with a negative predictive value of 80%. In summary, the available evidence is currently insufficient to determine the role of this variant in disease. Therefore, it has been classified as a Variant of Uncertain Significance.

GeneDx
Classification: Uncertain significance. Last evaluated: 2019-09-26. Review status: criteria provided, single submitter. Criteria: GeneDx Variant Classification Process June 2021. Collection method: clinical testing. Allele origin: germline. Affected: yes.
Comment: Has not been previously published as pathogenic or benign to our knowledge; Reported in ClinVar as a variant of uncertain significance by another clinical laboratory (ClinVar Variant ID# 581928; Landrum et al., 2016); Not observed at a significant frequency in large population cohorts (Lek et al., 2016); In silico analysis, which includes protein predictors and evolutionary conservation, supports a deleterious effect

NM_006440.5(TXNRD2):c.1412G>A (p.Gly471Asp)

Gene: TXNRD2 (thioredoxin reductase 2; minus strand). Cytogenetic location: 22q11.21.
Variant type: single nucleotide variant.
Coding change: c.1412G>A on transcript NM_006440.5 (MANE Select); coding-DNA position 1412, G replaced by A.
Protein change: p.Gly471Asp; replaces glycine 471 with aspartic acid.
Molecular consequence: missense variant. On other transcripts: non-coding transcript variant (1).
Genome position (GRCh38, 1-based): chr22:19,878,123, C>T on the plus strand (G>A on the coding strand, the complement: TXNRD2 is on the minus strand). VCF-style: chr22-19878123-C-T. GRCh37 (hg19) VCF-style: chr22-19865646-C-T.
Other names: c.1409G>A, p.Gly470Asp (NM_001352300.2); c.1322G>A, p.Gly441Asp (NM_001352301.2); c.1124G>A, p.Gly375Asp (NM_001352302.2); short protein forms G471D, G375D, G441D, G470D.
Identifiers: ClinVar variation 581928 (VCV000581928.10), dbSNP rs754916024, ClinGen allele CA10103663.